The following is an entry in ClinVar:

ClinVar aggregate classification (germline): Uncertain significance (1 of 4 stars; one submission).

Conditions:
Wilms tumor 1 (WT1). Also called: Wilms tumor, somatic. Identifiers: Orphanet 654, MedGen CN033288, MONDO:0008679, OMIM 194070.

Submission:

Labcorp Genetics (formerly Invitae), Labcorp
Classification: Uncertain significance for Wilms tumor 1. Last evaluated: 2025-08-30. Review status: criteria provided, single submitter. Criteria: Invitae Variant Classification Sherloc (09022015). Collection method: clinical testing. Allele origin: germline.
Comment: This sequence change replaces alanine, which is neutral and non-polar, with threonine, which is neutral and polar, at codon 360 of the GPC3 protein (p.Ala360Thr). This variant is not present in population databases (gnomAD no frequency). This variant has not been reported in the literature in individuals affected with GPC3-related conditions. Invitae Evidence Modeling of protein sequence and biophysical properties (such as structural, functional, and spatial information, amino acid conservation, physicochemical variation, residue mobility, and thermodynamic stability) indicates that this missense variant is not expected to disrupt GPC3 protein function with a negative predictive value of 80%. In summary, the available evidence is currently insufficient to determine the role of this variant in disease. Therefore, it has been classified as a Variant of Uncertain Significance.

NM_004484.4(GPC3):c.1078G>A (p.Ala360Thr)

Gene: GPC3 (glypican 3; minus strand). Cytogenetic location: Xq26.2.
Variant type: single nucleotide variant.
Coding change: c.1078G>A on transcript NM_004484.4 (MANE Select); coding-DNA position 1078, G replaced by A.
Protein change: p.Ala360Thr; replaces alanine 360 with threonine.
Molecular consequence: missense variant.
Genome position (GRCh38, 1-based): chrX:133,699,983, C>T on the plus strand (G>A on the coding strand, the complement: GPC3 is on the minus strand). VCF-style: chrX-133699983-C-T. GRCh37 (hg19) VCF-style: chrX-132834011-C-T.
Other names: c.1147G>A, p.Ala383Thr (NM_001164617.2); c.1030G>A, p.Ala344Thr (NM_001164618.2); c.916G>A, p.Ala306Thr (NM_001164619.2); short protein forms A360T, A383T, A306T, A344T.
Identifiers: ClinVar variation 4741339 (VCV004741339.1).